The following is an entry in ClinVar:

ClinVar aggregate classification (germline): Pathogenic (1 of 4 stars; one submission).

Allele frequency attached by ClinVar (database versions not stated): gnomAD exomes below 0.00001; TOPMed below 0.00001; gnomAD 0.00001.

Submission:

Labcorp Genetics (formerly Invitae), Labcorp
Classification: Pathogenic. Last evaluated: 2023-12-01. Review status: criteria provided, single submitter. Criteria: Invitae Variant Classification Sherloc (09022015). Collection method: clinical testing. Allele origin: germline.
Comment: This sequence change creates a premature translational stop signal (p.Arg482*) in the MYO15A gene. It is expected to result in an absent or disrupted protein product. Loss-of-function variants in MYO15A are known to be pathogenic (PMID: 17546645). This variant is not present in population databases (gnomAD no frequency). This variant has not been reported in the literature in individuals affected with MYO15A-related conditions. For these reasons, this variant has been classified as Pathogenic.

Literature cited by the submitters: PubMed 17546645.

NM_016239.4(MYO15A):c.1444C>T (p.Arg482Ter)

Gene: MYO15A (myosin XVA; plus strand). Cytogenetic location: 17p11.2.
Variant type: single nucleotide variant.
Coding change: c.1444C>T on transcript NM_016239.4 (MANE Select); coding-DNA position 1444, C replaced by T.
Protein change: p.Arg482Ter; replaces arginine 482 with a stop codon.
Molecular consequence: nonsense.
Genome position (GRCh38, 1-based): chr17:18,120,244, C>T. VCF-style: chr17-18120244-C-T. GRCh37 (hg19) VCF-style: chr17-18023558-C-T.
Other names: short protein forms R482*.
Identifiers: ClinVar variation 2778186 (VCV002778186.3), dbSNP rs867369805, ClinGen allele CA288387156.